The following is an entry in ClinVar:

ClinVar aggregate classification (germline): Benign. Review status: criteria provided, single submitter (1 of 4 stars). 2 submissions from 2 submitters: Benign (1). 1 of the submissions does not count toward it. Last evaluated 2026-01-27.

Conditions:
DLC1-related disorder. Also called: DLC1-related condition.

Allele frequency attached by ClinVar (database versions not stated): 1000 Genomes Project 30x 0.00219; ESP Exome Variant Server 0.00223; 1000 Genomes Project 0.00200; TOPMed 0.00217.
gnomAD v4.1: 581 of 1,614,184 alleles (0.036%); highest among the groups gnomAD compares: African/African-American, 0.72%; 1 homozygote.

Submissions (2):

Labcorp Genetics (formerly Invitae), Labcorp
Classification: Benign. Last evaluated: 2026-01-27. Review status: criteria provided, single submitter. Criteria: Invitae Variant Classification Sherloc (09022015). Collection method: clinical testing. Allele origin: germline.

PreventionGenetics, part of Exact Sciences
Classification: Benign for DLC1-related condition. Last evaluated: 2020-07-03. Review status: no assertion criteria provided. Collection method: clinical testing. Allele origin: germline. Not counted in ClinVar's aggregate classification.
Comment: This variant is classified as benign based on ACMG/AMP sequence variant interpretation guidelines (Richards et al. 2015 PMID: 25741868, with internal and published modifications).

NM_182643.3(DLC1):c.1250C>T (p.Thr417Ile)

Gene: DLC1 (DLC1 Rho GTPase activating protein; minus strand). Cytogenetic location: 8p22.
Variant type: single nucleotide variant.
Coding change: c.1250C>T on transcript NM_182643.3 (MANE Select); coding-DNA position 1250, C replaced by T.
Protein change: p.Thr417Ile; replaces threonine 417 with isoleucine.
Molecular consequence: missense variant. On other transcripts: 5 prime UTR variant (1).
Genome position (GRCh38, 1-based): chr8:13,393,617, G>A on the plus strand (C>T on the coding strand, the complement: DLC1 is on the minus strand). VCF-style: chr8-13393617-G-A. GRCh37 (hg19) VCF-style: chr8-13251126-G-A.
Other names: c.1250C>T, p.Thr417Ile (NM_001348081.2, NM_024767.5); c.-202C>T (NM_001348082.2); c.1250C>T (NM_182643.2); short protein forms T417I.
Identifiers: ClinVar variation 1542549 (VCV001542549.10), dbSNP rs73551600, ClinGen allele CA4639197.